The following is an entry in ClinVar:

ClinVar aggregate classification (germline): Uncertain significance (1 of 4 stars; one submission).

Allele frequency attached by ClinVar (database versions not stated): gnomAD exomes 0.00003; gnomAD 0.00031; 1000 Genomes Project 30x 0.00094.

Submission:

Labcorp Genetics (formerly Invitae), Labcorp
Classification: Uncertain significance. Last evaluated: 2025-10-24. Review status: criteria provided, single submitter. Criteria: Invitae Variant Classification Sherloc (09022015). Collection method: clinical testing. Allele origin: germline.
Comment: This sequence change replaces proline, which is neutral and non-polar, with serine, which is neutral and polar, at codon 807 of the SYNPO protein (p.Pro807Ser). The frequency data for this variant in the population databases is considered unreliable, as metrics indicate poor data quality at this position in the gnomAD database. This variant has not been reported in the literature in individuals affected with SYNPO-related conditions. ClinVar contains an entry for this variant (Variation ID: 2197020). An algorithm developed to predict the effect of missense changes on protein structure and function (PolyPhen-2) suggests that this variant is likely to be disruptive. In summary, the available evidence is currently insufficient to determine the role of this variant in disease. Therefore, it has been classified as a Variant of Uncertain Significance.

NM_007286.6(SYNPO):c.2419C>T (p.Pro807Ser)

Genes: SYNPO (synaptopodin; plus strand), LOC129995011 (ATAC-STARR-seq lymphoblastoid silent region 16516; plus strand). Cytogenetic location: 5q33.1.
Variant type: single nucleotide variant.
Coding change: c.2419C>T on transcript NM_007286.6 (MANE Select); coding-DNA position 2419, C replaced by T.
Protein change: p.Pro807Ser; replaces proline 807 with serine.
Molecular consequence: missense variant.
Genome position (GRCh38, 1-based): chr5:150,656,794, C>T. VCF-style: chr5-150656794-C-T. GRCh37 (hg19) VCF-style: chr5-150036356-C-T.
Other names: short protein forms P807S.
Identifiers: ClinVar variation 2197020 (VCV002197020.4), dbSNP rs748852026, ClinGen allele CA3513610.